The following is an entry in ClinVar:

ClinVar aggregate classification (germline): Uncertain significance. Review status: criteria provided, multiple submitters, no conflicts (2 of 4 stars). 2 submissions from 2 submitters: Uncertain significance (2). Last evaluated 2025-12-21.

Conditions:
GRN-related frontotemporal lobar degeneration with Tdp43 inclusions (FTD2). Also called: DEMENTIA, HEREDITARY DYSPHASIC DISINHIBITION; FRONTOTEMPORAL LOBAR DEGENERATION WITH UBIQUITIN-POSITIVE INCLUSIONS; FTLD-TDP, GRN-RELATED; GRN Frontotemporal Dementia; FRONTOTEMPORAL DEMENTIA WITH TDP43 INCLUSIONS, GRN-RELATED. Identifiers: Orphanet 100070, Orphanet 282, MedGen C1843792, MONDO:0011842, OMIM 607485. Disease mechanism: loss of function.
Neuronal ceroid lipofuscinosis 11. Also called: GRN-Related Neuronal Ceroid-Lipofuscinosis. Identifiers: Orphanet 314629, Orphanet 79262, MedGen C3539123, MONDO:0013866, OMIM 614706.

Allele frequency attached by ClinVar (database versions not stated): gnomAD 0.00003; TOPMed 0.00003.

Submissions (2):

Labcorp Genetics (formerly Invitae), Labcorp
Classification: Uncertain significance for Neuronal ceroid lipofuscinosis 11; GRN-related frontotemporal lobar degeneration with Tdp43 inclusions. Last evaluated: 2025-12-21. Review status: criteria provided, single submitter. Criteria: Invitae Variant Classification Sherloc (09022015). Collection method: clinical testing. Allele origin: germline.
Comment: This sequence change replaces arginine, which is basic and polar, with histidine, which is basic and polar, at codon 298 of the GRN protein (p.Arg298His). This variant is present in population databases (rs750810467, gnomAD 0.02%). This missense change has been observed in individual(s) with clinical features of GRN-related conditions (PMID: 20142524, 26652843, 30054184, 32507413). ClinVar contains an entry for this variant (Variation ID: 2057663). Invitae Evidence Modeling of protein sequence and biophysical properties (such as structural, functional, and spatial information, amino acid conservation, physicochemical variation, residue mobility, and thermodynamic stability) indicates that this missense variant is not expected to disrupt GRN protein function with a negative predictive value of 80%. Experimental studies are conflicting or provide insufficient evidence to determine the effect of this variant on GRN function (PMID: 26652843). In summary, the available evidence is currently insufficient to determine the role of this variant in disease. Therefore, it has been classified as a Variant of Uncertain Significance.

Clinical Genomics Laboratory, Washington University in St. Louis
Classification: Uncertain significance for GRN-related frontotemporal lobar degeneration with Tdp43 inclusions. Last evaluated: 2025-05-01. Review status: criteria provided, single submitter. Criteria: ACMG Guidelines, 2015. Collection method: clinical testing. Allele origin: germline.
Comment: The GRN c.893G>A (p.Arg298His) variant has been reported in at least six individuals with adult-onset behavioral disorders or FTLD, with some including a family history of dementia and at least one individual displaying ubiquitin-positive inclusions (Banzhaf-Strathmann J et al., PMID: 24252647; Bartoletti-Stella A et al., PMID: 32507413; Karch CM et al., PMID: 26652843; Russillo MC et al., PMID: 35859258; Yu CE et al., PMID: 20142524). This variant has been reported in the ClinVar database as a germline variant of uncertain significance by one submitter (ClinVar ID: 2057663). The variant is only observed on 86/1610478 alleles in the general population (gnomAD v.4.1.0), which is lower than the estimated prevalence of FTLD (Riedl L et al., PMID: 24600223). This variant occurs in the region of progranulin that encodes granulin A and the amino acid at codon 298 is immediately downstream of two highly conserved cysteines (Cenik B et al., PMID: 22859297); however, computational predictors are uncertain as to the impact of this variant on progranulin or granulin A function. Functional studies have shown an inconsistent effect of this variant on granulin secretion (Banzhaf-Strathmann J et al., PMID: 24252647; Karch CM et al., PMID: 26652843). Due to limited information, and based on ACMG/AMP guidelines for variant interpretation (Richards S et al., PMID: 25741868), the clinical significance of this variant is uncertain at this time.

Literature cited by the submitters: PubMed 20142524 (cited by Labcorp Genetics (formerly Invitae), Labcorp); PubMed 26652843 (cited by Labcorp Genetics (formerly Invitae), Labcorp); PubMed 30054184 (cited by Labcorp Genetics (formerly Invitae), Labcorp); PubMed 32507413 (cited by Labcorp Genetics (formerly Invitae), Labcorp).

NM_002087.4(GRN):c.893G>A (p.Arg298His)

Gene: GRN (granulin precursor; plus strand). Cytogenetic location: 17q21.31.
Variant type: single nucleotide variant.
Coding change: c.893G>A on transcript NM_002087.4 (MANE Select); coding-DNA position 893, G replaced by A.
Protein change: p.Arg298His; replaces arginine 298 with histidine.
Molecular consequence: missense variant.
Genome position (GRCh38, 1-based): chr17:44,351,420, G>A. VCF-style: chr17-44351420-G-A. GRCh37 (hg19) VCF-style: chr17-42428788-G-A.
Other names: short protein forms R298H.
Identifiers: ClinVar variation 2057663 (VCV002057663.5), dbSNP rs750810467, ClinGen allele CA8602054.
Genomic context (GRCh38, chr17:44,351,420, plus strand): 5'-CAGTGGGGGATGTGAAATGTGACATGGAGGTGAGCTGCCCAGATGGCTATACCTGCTGCC[G>A]TCTACAGTCGGGGGCCTGGGGCTGCTGCCCTTTTACCCAGGTACCCAGGGGTGGCGGGTG-3'
Protein context (NP_002078.1, residues 288-308): VSCPDGYTCC[Arg298His]LQSGAWGCCP